The following is an entry in ClinVar:

NM_004519.4(KCNQ3):c.1483C>T (p.Pro495Ser)

Gene: KCNQ3 (potassium voltage-gated channel subfamily Q member 3; minus strand). Cytogenetic location: 8q24.22.
Variant type: single nucleotide variant.
Coding change: c.1483C>T on transcript NM_004519.4 (MANE Select); coding-DNA position 1483, C replaced by T.
Protein change: p.Pro495Ser; replaces proline 495 with serine.
Molecular consequence: missense variant.
Genome position (GRCh38, 1-based): chr8:132,140,161, G>A on the plus strand (C>T on the coding strand, the complement: KCNQ3 is on the minus strand). VCF-style: chr8-132140161-G-A. GRCh37 (hg19) VCF-style: chr8-133152408-G-A.
Other names: c.1123C>T, p.Pro375Ser (NM_001204824.2); short protein forms P495S, P375S.
Identifiers: ClinVar variation 3020597 (VCV003020597.3), dbSNP rs1341626282, ClinGen allele CA372219741.

ClinVar aggregate classification (germline): Uncertain significance (1 of 4 stars; one submission).

Conditions:
Benign neonatal seizures. Also called: Benign familial neonatal seizures; Benign familial neonatal epilepsy; Convulsions benign familial neonatal dominant form; Autosomal dominant form of benign neonatal seizures; Benign neonatal familial convulsions. Identifiers: Orphanet 1949, MedGen C0220669, MONDO:0016027.

Allele frequency attached by ClinVar (database versions not stated): gnomAD 0.00001.
gnomAD v4.1: 1 of 1,613,298 alleles (0.000062%); highest among the groups gnomAD compares: Non-Finnish European, 0.000085%; no homozygotes.

Submission:

Labcorp Genetics (formerly Invitae), Labcorp
Classification: Uncertain significance for Benign neonatal seizures. Last evaluated: 2023-05-16. Review status: criteria provided, single submitter. Criteria: Invitae Variant Classification Sherloc (09022015). Collection method: clinical testing. Allele origin: germline.
Comment: This sequence change replaces proline, which is neutral and non-polar, with serine, which is neutral and polar, at codon 495 of the KCNQ3 protein (p.Pro495Ser). This variant is not present in population databases (gnomAD no frequency). In summary, the available evidence is currently insufficient to determine the role of this variant in disease. Therefore, it has been classified as a Variant of Uncertain Significance. Advanced modeling of protein sequence and biophysical properties (such as structural, functional, and spatial information, amino acid conservation, physicochemical variation, residue mobility, and thermodynamic stability) performed at Invitae indicates that this missense variant is not expected to disrupt KCNQ3 protein function. This variant has not been reported in the literature in individuals affected with KCNQ3-related conditions.